The following is an entry in ClinVar:

ClinVar aggregate classification (germline): Pathogenic (1 of 4 stars; one submission).

Conditions:
Developmental and epileptic encephalopathy. Identifiers: MedGen C5779964, MONDO:0100620.

Submission:

Labcorp Genetics (formerly Invitae), Labcorp
Classification: Pathogenic for Early-infantile DEE. Last evaluated: 2022-06-03. Review status: criteria provided, single submitter. Criteria: Invitae Variant Classification Sherloc (09022015). Collection method: clinical testing. Allele origin: germline.
Comment: For these reasons, this variant has been classified as Pathogenic. This variant disrupts a region of the KCNQ2 protein in which other variant(s) (p.Lys829Serfs*35) have been determined to be pathogenic (Invitae). This suggests that this is a clinically significant region of the protein, and that variants that disrupt it are likely to be disease-causing. This variant has not been reported in the literature in individuals affected with KCNQ2-related conditions. This variant is a gross deletion of the genomic region encompassing exon(s) 11-17 of the KCNQ2 gene, which includes the termination codon. This deletion extends beyond the assayed region for this gene and therefore may encompass additional genes. While this deletion is not anticipated to lead to nonsense mediated decay, it is expected to alter mRNA translation or result in a truncated protein product.

NC_000020.10:g.(?_61978090)_(62055579_?)del

Genes: CHRNA4 (cholinergic receptor nicotinic alpha 4 subunit; minus strand), KCNQ2 (potassium voltage-gated channel subfamily Q member 2; minus strand). Cytogenetic location: 20q13.33.
Variant type: Deletion.
Identifiers: ClinVar variation 1458699 (VCV001458699.8).